The following is an entry in ClinVar:

NM_001958.5(EEF1A2):c.581C>T (p.Ser194Phe)

Gene: EEF1A2 (eukaryotic translation elongation factor 1 alpha 2; minus strand). Cytogenetic location: 20q13.33.
Variant type: single nucleotide variant.
Coding change: c.581C>T on transcript NM_001958.5 (MANE Select); coding-DNA position 581, C replaced by T.
Protein change: p.Ser194Phe; replaces serine 194 with phenylalanine.
Molecular consequence: missense variant.
Genome position (GRCh38, 1-based): chr20:63,494,845, G>A on the plus strand (C>T on the coding strand, the complement: EEF1A2 is on the minus strand). VCF-style: chr20-63494845-G-A. GRCh37 (hg19) VCF-style: chr20-62126198-G-A.
Other names: short protein forms S194F.
Identifiers: ClinVar variation 1708005 (VCV001708005.3), dbSNP rs2516783034, ClinGen allele CA409649339.

ClinVar aggregate classification (germline): Uncertain significance (1 of 4 stars; one submission).

Submission:

GeneDx
Classification: Uncertain significance. Last evaluated: 2023-11-07. Review status: criteria provided, single submitter. Criteria: GeneDx Variant Classification Process June 2021. Collection method: clinical testing. Allele origin: germline.
Comment: Not observed at significant frequency in large population cohorts (gnomAD); In silico analysis supports that this missense variant has a deleterious effect on protein structure/function; Has not been previously published as pathogenic or benign to our knowledge